The following is an entry in ClinVar:

ClinVar aggregate classification (germline): Conflicting classifications of pathogenicity. Review status: criteria provided, conflicting classifications (1 of 4 stars). 4 submissions from 4 submitters: Uncertain significance (3); Likely benign (1). Last evaluated 2024-04-11.

Conditions:
Hereditary cancer-predisposing syndrome. Also called: Hereditary Cancer Syndrome; Neoplastic Syndromes, Hereditary; Tumor predisposition; Hereditary neoplastic syndrome. Identifiers: Orphanet 140162, MedGen C0027672, MeSH D009386, MONDO:0015356.
Ataxia-telangiectasia syndrome (AT). Also called: Ataxia telangiectasia (A-T); Ataxia-telangiectasia, complementation group E; LOUIS-BAR SYNDROME; Cerebello-oculocutaneous telangiectasia; Immunodeficiency with ataxia telangiectasia; Ataxia-telangiectasia, complementation group D. Identifiers: Orphanet 100, MedGen C0004135, MONDO:0008840, OMIM 208900.
Familial cancer of breast. Also called: Hereditary breast cancer; hereditary breast carcinoma; BREAST CANCER, FAMILIAL. Identifiers: Orphanet 227535, MedGen C0346153, MONDO:0016419, OMIM 114480. Disease mechanism: loss of function.

Allele frequency attached by ClinVar (database versions not stated): gnomAD exomes 0.00001; ExAC 0.00002.
gnomAD v4.1: 17 of 1,613,594 alleles (0.0011%); highest among the groups gnomAD compares: South Asian, 0.018%; no homozygotes.

Submissions (4):

Ambry Genetics
Classification: Likely benign for Hereditary cancer-predisposing syndrome. Last evaluated: 2024-04-11. Review status: criteria provided, single submitter. Criteria: Ambry Variant Classification Scheme 2023. Collection method: clinical testing. Allele origin: germline.

Fulgent Genetics
Classification: Uncertain significance for Familial cancer of breast; Ataxia-telangiectasia syndrome. Last evaluated: 2024-04-04. Review status: criteria provided, single submitter. Criteria: ACMG Guidelines, 2015. Collection method: clinical testing. Allele origin: germline.

GeneDx
Classification: Uncertain significance. Last evaluated: 2023-08-28. Review status: criteria provided, single submitter. Criteria: GeneDx Variant Classification Process June 2021. Collection method: clinical testing. Allele origin: germline. Affected: yes.
Comment: Not observed at significant frequency in large population cohorts (gnomAD); In silico analysis supports that this missense variant does not alter protein structure/function; Has not been previously published as pathogenic or benign to our knowledge; This variant is associated with the following publications: (PMID: 19781682)

Labcorp Genetics (formerly Invitae), Labcorp
Classification: Uncertain significance for Ataxia-telangiectasia syndrome. Last evaluated: 2022-10-27. Review status: criteria provided, single submitter. Criteria: Invitae Variant Classification Sherloc (09022015). Collection method: clinical testing. Allele origin: germline.
Comment: This sequence change replaces asparagine, which is neutral and polar, with serine, which is neutral and polar, at codon 1122 of the ATM protein (p.Asn1122Ser). This variant is present in population databases (rs745863765, gnomAD 0.01%). This variant has not been reported in the literature in individuals affected with ATM-related conditions. ClinVar contains an entry for this variant (Variation ID: 231140). Algorithms developed to predict the effect of missense changes on protein structure and function (SIFT, PolyPhen-2, Align-GVGD) all suggest that this variant is likely to be tolerated. In summary, the available evidence is currently insufficient to determine the role of this variant in disease. Therefore, it has been classified as a Variant of Uncertain Significance.

NM_000051.4(ATM):c.3365A>G (p.Asn1122Ser)

Gene: ATM (ATM serine/threonine kinase; plus strand). Cytogenetic location: 11q22.3.
Variant type: single nucleotide variant.
Coding change: c.3365A>G on transcript NM_000051.4 (MANE Select); coding-DNA position 3365, A replaced by G.
Protein change: p.Asn1122Ser; replaces asparagine 1122 with serine.
Molecular consequence: missense variant.
Genome position (GRCh38, 1-based): chr11:108,279,571, A>G. VCF-style: chr11-108279571-A-G. GRCh37 (hg19) VCF-style: chr11-108150298-A-G.
Other names: c.3365A>G, p.Asn1122Ser (NM_001351834.2); short protein forms N1122S.
Identifiers: ClinVar variation 231140 (VCV000231140.14), dbSNP rs745863765, ClinGen allele CA6265269.